The following is an entry in ClinVar:

ClinVar aggregate classification (germline): Pathogenic (1 of 4 stars; one submission).

Conditions:
T-B+ severe combined immunodeficiency due to JAK3 deficiency. Also called: SCID, autosomal recessive, T-negative/B-positive type; SCID, T CELL-NEGATIVE, B CELL-POSITIVE, NK CELL-NEGATIVE. Identifiers: Orphanet 35078, MedGen C1833275, MONDO:0010938, OMIM 600802.

Submission:

Labcorp Genetics (formerly Invitae), Labcorp
Classification: Pathogenic for T-B+ severe combined immunodeficiency due to JAK3 deficiency. Last evaluated: 2022-07-19. Review status: criteria provided, single submitter. Criteria: Invitae Variant Classification Sherloc (09022015). Collection method: clinical testing. Allele origin: germline.
Comment: ClinVar contains an entry for this variant (Variation ID: 1453819). For these reasons, this variant has been classified as Pathogenic. This variant has not been reported in the literature in individuals affected with JAK3-related conditions. This variant is not present in population databases (gnomAD no frequency). This sequence change creates a premature translational stop signal (p.Trp1011*) in the JAK3 gene. It is expected to result in an absent or disrupted protein product. Loss-of-function variants in JAK3 are known to be pathogenic (PMID: 7481768, 11668621).

Literature cited by the submitters: PubMed 7481768; PubMed 11668621.

NM_000215.4(JAK3):c.3032G>A (p.Trp1011Ter)

Gene: JAK3 (Janus kinase 3; minus strand). Cytogenetic location: 19p13.11.
Variant type: single nucleotide variant.
Coding change: c.3032G>A on transcript NM_000215.4 (MANE Select); coding-DNA position 3032, G replaced by A.
Protein change: p.Trp1011Ter; replaces tryptophan 1011 with a stop codon.
Molecular consequence: nonsense.
Genome position (GRCh38, 1-based): chr19:17,830,567, C>T on the plus strand (G>A on the coding strand, the complement: JAK3 is on the minus strand). VCF-style: chr19-17830567-C-T. GRCh37 (hg19) VCF-style: chr19-17941376-C-T.
Other names: short protein forms W1011*.
Identifiers: ClinVar variation 1453819 (VCV001453819.6), dbSNP rs2147674587, ClinGen allele CA404764641.